The following is an entry in ClinVar:

NC_000018.9:g.(?_29645845)_(29648347_?)dup

Gene: RNF125 (ring finger protein 125; plus strand). Cytogenetic location: 18q12.1.
Variant type: Duplication.
Identifiers: ClinVar variation 2426360 (VCV002426360.4).

ClinVar aggregate classification (germline): Uncertain significance (1 of 4 stars; one submission).

Conditions:
Tenorio syndrome (TNORS). Also called: OVERGROWTH, MACROCEPHALY, AND INTELLECTUAL DISABILITY SYNDROME. Identifiers: MedGen C4015710, MONDO:0014553, OMIM 616260.

Submission:

Labcorp Genetics (formerly Invitae), Labcorp
Classification: Uncertain significance for Tenorio syndrome. Last evaluated: 2022-10-14. Review status: criteria provided, single submitter. Criteria: Invitae Variant Classification Sherloc (09022015). Collection method: clinical testing. Allele origin: germline.
Comment: This variant has not been reported in the literature in individuals affected with RNF125-related conditions. This variant results in a copy number gain of the genomic region encompassing exon(s) 5-6 of the RNF125 gene. This region includes the termination codon of the gene. This copy number gain extends beyond the assayed region for this gene and therefore may encompass additional genes. As the precise location of this event is unknown, it may be in tandem or it may be located elsewhere in the genome. In summary, the available evidence is currently insufficient to determine the role of this variant in disease. Therefore, it has been classified as a Variant of Uncertain Significance.